The following is an entry in ClinVar:

NM_002907.4(RECQL):c.1255G>A (p.Gly419Ser)

Gene: RECQL (RecQ like helicase; minus strand). Cytogenetic location: 12p12.1.
Variant type: single nucleotide variant.
Coding change: c.1255G>A on transcript NM_002907.4 (MANE Select); coding-DNA position 1255, G replaced by A.
Protein change: p.Gly419Ser; replaces glycine 419 with serine.
Molecular consequence: missense variant.
Genome position (GRCh38, 1-based): chr12:21,474,941, C>T on the plus strand (G>A on the coding strand, the complement: RECQL is on the minus strand). VCF-style: chr12-21474941-C-T. GRCh37 (hg19) VCF-style: chr12-21627875-C-T.
Other names: c.1255G>A, p.Gly419Ser (NM_032941.3); short protein forms G419S.
Identifiers: ClinVar variation 1001148 (VCV001001148.15), dbSNP rs1326580844, ClinGen allele CA384118775.

ClinVar aggregate classification (germline): Uncertain significance. Review status: criteria provided, multiple submitters, no conflicts (2 of 4 stars). 3 submissions from 3 submitters: Uncertain significance (3). Last evaluated 2025-04-19.

Allele frequency attached by ClinVar (database versions not stated): gnomAD exomes below 0.00001 and 0.00001; gnomAD 0.00001; TOPMed 0.00001.
gnomAD v4.1: 12 of 1,612,806 alleles (0.00074%); highest among the groups gnomAD compares: South Asian, 0.0033%; no homozygotes.

Submissions (3):

Ambry Genetics
Classification: Uncertain significance. Last evaluated: 2025-04-19. Review status: criteria provided, single submitter. Criteria: Ambry Variant Classification Scheme 2023. Collection method: clinical testing. Allele origin: germline.
Comment: The p.G419S variant (also known as c.1255G>A), located in coding exon 10 of the RECQL gene, results from a G to A substitution at nucleotide position 1255. The glycine at codon 419 is replaced by serine, an amino acid with similar properties. This amino acid position is well conserved in available vertebrate species. In addition, the in silico prediction for this alteration is inconclusive. Since supporting evidence is limited at this time, the clinical significance of this alteration remains unclear.

Labcorp Genetics (formerly Invitae), Labcorp
Classification: Uncertain significance. Last evaluated: 2023-04-28. Review status: criteria provided, single submitter. Criteria: Invitae Variant Classification Sherloc (09022015). Collection method: clinical testing. Allele origin: germline.
Comment: In summary, the available evidence is currently insufficient to determine the role of this variant in disease. Therefore, it has been classified as a Variant of Uncertain Significance. Advanced modeling of protein sequence and biophysical properties (such as structural, functional, and spatial information, amino acid conservation, physicochemical variation, residue mobility, and thermodynamic stability) performed at Invitae indicates that this missense variant is not expected to disrupt RECQL protein function. ClinVar contains an entry for this variant (Variation ID: 1001148). This variant has not been reported in the literature in individuals affected with RECQL-related conditions. This variant is present in population databases (no rsID available, gnomAD 0.0009%). This sequence change replaces glycine, which is neutral and non-polar, with serine, which is neutral and polar, at codon 419 of the RECQL protein (p.Gly419Ser).

GeneDx
Classification: Uncertain significance. Last evaluated: 2022-04-26. Review status: criteria provided, single submitter. Criteria: GeneDx Variant Classification Process June 2021. Collection method: clinical testing. Allele origin: germline. Affected: yes.
Comment: Not observed at significant frequency in large population cohorts (gnomAD); In silico analysis supports that this missense variant does not alter protein structure/function; Has not been previously published as pathogenic or benign to our knowledge; This variant is associated with the following publications: (PMID: 27248010, 19151156)